The following is an entry in ClinVar:

ClinVar aggregate classification (germline): Uncertain significance (1 of 4 stars; one submission).

Allele frequency attached by ClinVar (database versions not stated): gnomAD exomes below 0.00001.
gnomAD v4.1: 1 of 1,563,462 alleles (0.000064%); highest among the groups gnomAD compares: Non-Finnish European, 0.000086%; no homozygotes.

Submission:

GeneDx
Classification: Uncertain significance. Last evaluated: 2019-10-29. Review status: criteria provided, single submitter. Criteria: GeneDx Variant Classification Process June 2021. Collection method: clinical testing. Allele origin: germline. Affected: yes.
Comment: Not observed in large population cohorts (Lek et al., 2016); In silico analysis, which includes protein predictors and evolutionary conservation, supports that this variant does not alter protein structure/function; Has not been previously published as pathogenic or benign to our knowledge

NM_018297.4(NGLY1):c.32G>C (p.Gly11Ala)

Gene: NGLY1 (N-glycanase 1; minus strand). Cytogenetic location: 3p24.2.
Variant type: single nucleotide variant.
Coding change: c.32G>C on transcript NM_018297.4 (MANE Select); coding-DNA position 32, G replaced by C.
Protein change: p.Gly11Ala; replaces glycine 11 with alanine.
Molecular consequence: missense variant. On other transcripts: intron variant (1).
Genome position (GRCh38, 1-based): chr3:25,783,359, C>G on the plus strand (G>C on the coding strand, the complement: NGLY1 is on the minus strand). VCF-style: chr3-25783359-C-G. GRCh37 (hg19) VCF-style: chr3-25824850-C-G.
Other names: c.32G>C, p.Gly11Ala (NM_001145293.2, NM_001145295.2); c.6-4671G>C (NM_001145294.2); short protein forms G11A.
Identifiers: ClinVar variation 1309719 (VCV001309719.2), dbSNP rs1225525624, ClinGen allele CA351911376.